The following is an entry in ClinVar:

ClinVar aggregate classification (germline): Uncertain significance (1 of 4 stars; one submission).

Conditions:
Epileptic encephalopathy. Identifiers: MedGen C0543888, HP:0200134.

Allele frequency attached by ClinVar (database versions not stated): TOPMed 0.00002.
gnomAD v4.1: 14 of 1,613,662 alleles (0.00087%); highest among the groups gnomAD compares: Admixed American, 0.0017%; no homozygotes.

Submission:

Labcorp Genetics (formerly Invitae), Labcorp
Classification: Uncertain significance for Epileptic encephalopathy. Last evaluated: 2020-08-06. Review status: criteria provided, single submitter. Criteria: Invitae Variant Classification Sherloc (09022015). Collection method: clinical testing. Allele origin: germline.
Comment: In summary, the available evidence is currently insufficient to determine the role of this variant in disease. Therefore, it has been classified as a Variant of Uncertain Significance. Algorithms developed to predict the effect of missense changes on protein structure and function do not agree on the potential impact of this missense change (SIFT: "Deleterious"; PolyPhen-2: "Benign"; Align-GVGD: "Class C0"). This variant has not been reported in the literature in individuals with RYR3-related disease. This variant is present in population databases (rs770219178, ExAC 0.009%). This sequence change replaces arginine with leucine at codon 3148 of the RYR3 protein (p.Arg3148Leu). The arginine residue is moderately conserved and there is a moderate physicochemical difference between arginine and leucine.

NM_001036.6(RYR3):c.9443G>T (p.Arg3148Leu)

Gene: RYR3 (ryanodine receptor 3; plus strand). Cytogenetic location: 15q14.
Variant type: single nucleotide variant.
Coding change: c.9443G>T on transcript NM_001036.6 (MANE Select); coding-DNA position 9443, G replaced by T.
Protein change: p.Arg3148Leu; replaces arginine 3148 with leucine.
Molecular consequence: missense variant.
Genome position (GRCh38, 1-based): chr15:33,785,836, G>T. VCF-style: chr15-33785836-G-T. GRCh37 (hg19) VCF-style: chr15-34078037-G-T.
Other names: c.9443G>T, p.Arg3148Leu (NM_001243996.4); short protein forms R3148L.
Identifiers: ClinVar variation 531039 (VCV000531039.8), dbSNP rs770219178, ClinGen allele CA7460518.
Genomic context (GRCh38, chr15:33,785,836, plus strand): 5'-CCCATGTCATCGAGGTGATCTTACCCATGCTCTGCAACTACTTGTCCTACTGGTGGGAGC[G>T]GGGTCCTGAGAACCTGCCCCCCAGCACAGGGCCATGCTGCACCAAGGTCACCTCTGAACA-3'
Protein context (NP_001027.3, residues 3138-3158): LCNYLSYWWE[Arg3148Leu]GPENLPPSTG